The following is an entry in ClinVar:

NM_001355436.2(SPTB):c.1759del (p.Ile587fs)

Gene: SPTB (spectrin beta, erythrocytic; minus strand). Cytogenetic location: 14q23.3.
Variant type: Deletion.
Coding change: c.1759del on transcript NM_001355436.2 (MANE Select); coding-DNA position 1759, one base deleted (A; older notation c.1759delA).
Protein change: p.Ile587fs; shifts the reading frame from isoleucine 587.
Molecular consequence: frameshift variant.
Genome position (GRCh38, 1-based): chr14:64,794,503, T deleted on the plus strand (A on the coding strand, the reverse complement: SPTB is on the minus strand). VCF-style (leftmost placement, unchanged base first): chr14-64794502-AT-A. GRCh37 (hg19) VCF-style: chr14-65261220-AT-A.
Other names: c.1759del, p.Ile587fs (NM_001024858.4, NM_001355437.2); short protein forms I587fs.
Identifiers: ClinVar variation 3251931 (VCV003251931.2), dbSNP rs2503167736.

ClinVar aggregate classification (germline): Likely pathogenic (1 of 4 stars; one submission).

Conditions:
Hereditary spherocytosis type 2. Also called: SPHEROCYTOSIS, TYPE 2, AUTOSOMAL DOMINANT. Identifiers: Orphanet 822, MedGen C2674219, MONDO:0000913, OMIM 616649.

Submission:

MVZ Dr. Eberhard & Partner Dortmund
Classification: Likely pathogenic for Hereditary spherocytosis type 2. Last evaluated: 2024-07-04. Review status: criteria provided, single submitter. Criteria: ACMG Guidelines, 2015. Collection method: clinical testing. Allele origin: unknown. Inheritance: Autosomal dominant inheritance. Affected: yes.
Comment: The nonsense variant c.1759del for p.(Ile587Serfs*6) leads to a premature STOP codon. Due to the nonsense variant and the possibility of nonsense mediated decay, a null variant with loss of function is created in a gene where loss of function is a common mechanism of disease. This variant is absent from controls in the Genome Aggregation Database. This variant is considered be likely pathogenic according to the ACMG guidelines.